The following is an entry in ClinVar:

NM_000059.4(BRCA2):c.3834_3835del (p.His1278fs)

Gene: BRCA2 (BRCA2 DNA repair associated; plus strand). Cytogenetic location: 13q13.1.
Variant type: Deletion.
Coding change: c.3834_3835del on transcript NM_000059.4 (MANE Select); coding-DNA positions 3834 to 3835, 2 bases deleted (TA; older notation c.3834_3835delTA).
Protein change: p.His1278fs; shifts the reading frame from histidine 1278.
Molecular consequence: frameshift variant.
Genome position (GRCh38, 1-based): chr13:32,338,189-32,338,190, TA deleted; deleting any 2 consecutive bases within chr13:32,338,188-32,338,190 gives the same sequence; the c. name uses the placement nearest the transcript's 3' end. VCF-style (leftmost placement, unchanged base first): chr13-32338187-CAT-C. GRCh37 (hg19) VCF-style: chr13-32912324-CAT-C.
Other names: c.3834_3835delTA (NM_000059.3).
Identifiers: ClinVar variation 224445 (VCV000224445.12), dbSNP rs886037803, ClinGen allele CA10575917.

ClinVar aggregate classification (germline): Pathogenic. Review status: reviewed by expert panel (3 of 4 stars). 4 submissions from 4 submitters: Pathogenic (1). 3 of the submissions do not count toward it. Last evaluated 2017-12-15.

Conditions:
Breast neoplasm. Also called: Breast Neoplasms; Neoplasm of breast; Breast tumor; Neoplasm of the breast. Identifiers: MedGen C1458155, MeSH D001943, MONDO:0021100, HP:0100013. Disease mechanism: gain of function.
Hereditary cancer-predisposing syndrome. Also called: Tumor predisposition; Neoplastic Syndromes, Hereditary; Hereditary Cancer Syndrome; Hereditary neoplastic syndrome. Identifiers: Orphanet 140162, MedGen C0027672, MeSH D009386, MONDO:0015356.
Hereditary breast ovarian cancer syndrome. Also called: Hereditary breast and ovarian cancer; Hereditary breast and ovarian cancer syndrome (HBOC); Breast and ovarian cancer; BRCA1- and BRCA2-Associated Hereditary Breast and Ovarian Cancer; Hereditary breast and ovarian cancer syndrome; Hereditary breast and/or ovarian cancer syndrome. Identifiers: Orphanet 145, MedGen C0677776, MeSH D061325, MONDO:0003582. Disease mechanism: loss of function.
Breast-ovarian cancer, familial, susceptibility to, 2 (BROVCA2). Also called: BRCA2 Hereditary Breast and Ovarian Cancer. Identifiers: Orphanet 145, MedGen C2675520, MONDO:0012933, OMIM 612555. Disease mechanism: loss of function.

Submissions (4):

Evidence-based Network for the Interpretation of Germline Mutant Alleles (ENIGMA)
Classification: Pathogenic for Breast-ovarian cancer, familial, susceptibility to, 2. Last evaluated: 2017-12-15. Review status: reviewed by expert panel. Criteria: ENIGMA BRCA1/2 Classification Criteria (2017-06-29). Collection method: curation. Allele origin: germline. Study: ENIGMA.
Comment: Variant allele predicted to encode a truncated non-functional protein.

Ambry Genetics
Classification: Pathogenic for Hereditary cancer-predisposing syndrome. Last evaluated: 2026-09-03. Review status: criteria provided, single submitter. Criteria: Ambry Variant Classification Scheme 2023. Collection method: clinical testing. Allele origin: germline. Not counted in ClinVar's aggregate classification.
Comment: The c.3834_3835delTA pathogenic mutation, located in coding exon 10 of the BRCA2 gene, results from a deletion of two nucleotides at nucleotide positions 3834 to 3835, causing a translational frameshift with a predicted alternate stop codon (p.H1278Qfs*2). This variant is considered to be rare based on population cohorts in the Genome Aggregation Database (gnomAD). This alteration is expected to result in loss of function by premature protein truncation or nonsense-mediated mRNA decay. As such, this alteration is interpreted as a disease-causing mutation.

Labcorp Genetics (formerly Invitae), Labcorp
Classification: Pathogenic for Hereditary breast ovarian cancer syndrome. Last evaluated: 2019-07-31. Review status: criteria provided, single submitter. Criteria: Invitae Variant Classification Sherloc (09022015). Collection method: clinical testing. Allele origin: germline. Not counted in ClinVar's aggregate classification.
Comment: For these reasons, this variant has been classified as Pathogenic. Loss-of-function variants in BRCA2 are known to be pathogenic (PMID: 20104584). This variant has been observed in an individual affected with breast cancer (PMID: 27257965). ClinVar contains an entry for this variant (Variation ID: 224445). This variant is not present in population databases (ExAC no frequency). This sequence change creates a premature translational stop signal (p.His1278Glnfs*2) in the BRCA2 gene. It is expected to result in an absent or disrupted protein product.

Laboratory of Molecular Diagnosis of Cancer, West China Hospital, Sichuan University
Classification: Pathogenic for Breast neoplasm. Last evaluated: 2015-11-01. Review status: criteria provided, single submitter. Criteria: ACMG Guidelines, 2015. Collection method: research. Allele origin: germline. Affected: yes. Observed: 1 variant allele. Not counted in ClinVar's aggregate classification.

Literature cited by the submitters: PubMed 20104584 (cited by Labcorp Genetics (formerly Invitae), Labcorp); PubMed 27257965 (cited by Labcorp Genetics (formerly Invitae), Labcorp and Laboratory of Molecular Diagnosis of Cancer, West China Hospital, Sichuan University).